The following is an entry in ClinVar:

NM_002206.3(ITGA7):c.2433-3C>T

Genes: ITGA7 (integrin subunit alpha 7; minus strand), LOC126861535 (CDK7 strongly-dependent group 2 enhancer GRCh37_chr12:56087579-56088778; plus strand). Cytogenetic location: 12q13.2.
Variant type: single nucleotide variant.
Coding change: c.2433-3C>T on transcript NM_002206.3 (MANE Select); 3 bases into the intron before coding-DNA position 2433, C replaced by T.
Molecular consequence: intron variant.
Genome position (GRCh38, 1-based): chr12:55,694,126, G>A on the plus strand (C>T on the coding strand, the complement: ITGA7 is on the minus strand). VCF-style: chr12-55694126-G-A. GRCh37 (hg19) VCF-style: chr12-56087910-G-A.
Other names: c.2154-3C>T (NM_001144997.2); c.2106-3C>T (NM_001367993.1); c.2094-3C>T (NM_001414035.1); c.2250-3C>T (NM_001414033.1); c.1089-3C>T (NM_001367994.1); c.2313-3C>T (NM_001414032.1); c.2346-3C>T (NM_001414031.1); c.2415-3C>T (NM_001374465.1); and 5 more.
Identifiers: ClinVar variation 646812 (VCV000646812.6), dbSNP rs1592429145, ClinGen allele CA915948387.
Genomic context (GRCh38, chr12:55,694,126, plus strand): 5'-CATGGCTCTCTCGCCCCTCACCACACCAGAGAAGAAGAGTTGCTGGGGAATGGCCATTCT[G>A]GCGTGGAGAGGTCAGAACAGGGGTGAGAAGGTCTGGGGCCTGGCTCAATGAAGGCAGGGC-3'

ClinVar aggregate classification (germline): Uncertain significance (1 of 4 stars; one submission).

Conditions:
Congenital muscular dystrophy due to integrin alpha-7 deficiency. Also called: MYOPATHY, CONGENITAL, DUE TO INTEGRIN ALPHA-7 DEFICIENCY; Congenital muscular dystrophy with integrin alpha-7 deficiency; Muscular dystrophy, congenital, due to ITGA7 deficiency. Identifiers: Orphanet 34520, MedGen C2750786, MONDO:0013177, OMIM 613204.

Allele frequency attached by ClinVar (database versions not stated): gnomAD exomes 0.00001.

Submission:

Labcorp Genetics (formerly Invitae), Labcorp
Classification: Uncertain significance for Congenital muscular dystrophy due to integrin alpha-7 deficiency. Last evaluated: 2021-08-28. Review status: criteria provided, single submitter. Criteria: Invitae Variant Classification Sherloc (09022015). Collection method: clinical testing. Allele origin: germline.
Comment: This sequence change falls in intron 18 of the ITGA7 gene. It does not directly change the encoded amino acid sequence of the ITGA7 protein. It affects a nucleotide within the consensus splice site of the intron. This variant is not present in population databases (ExAC no frequency). This variant has not been reported in the literature in individuals affected with ITGA7-related conditions. Variants that disrupt the consensus splice site are a relatively common cause of aberrant splicing (PMID: 17576681, 9536098). Algorithms developed to predict the effect of sequence changes on RNA splicing suggest that this variant is not likely to affect RNA splicing. In summary, the available evidence is currently insufficient to determine the role of this variant in disease. Therefore, it has been classified as a Variant of Uncertain Significance.

Literature cited by the submitters: PubMed 17576681; PubMed 9536098.